The following is an entry in ClinVar:

NM_020778.5(ALPK3):c.17C>G (p.Ala6Gly)

Gene: ALPK3 (alpha kinase 3; plus strand). Cytogenetic location: 15q25.3.
Variant type: single nucleotide variant.
Coding change: c.17C>G on transcript NM_020778.5 (MANE Select); coding-DNA position 17, C replaced by G.
Protein change: p.Ala6Gly; replaces alanine 6 with glycine.
Molecular consequence: missense variant.
Genome position (GRCh38, 1-based): chr15:84,817,469, C>G. VCF-style: chr15-84817469-C-G. GRCh37 (hg19) VCF-style: chr15-85360700-C-G.
Other names: short protein forms A6G.
Identifiers: ClinVar variation 3625353 (VCV003625353.2).
Genomic context (GRCh38, chr15:84,817,469, plus strand): 5'-AGGCAGCGGCGAGTGCGGGGCCGGCGGTCGGGGAGGGCGGTGCCATGGGGTCGCGGAGGG[C>G]CCCCAGCCGGGGCTGGGGCGCGGGTGGGCGGTCGGGGGCGGGGGGCGACGGTGAGGACGA-3'
Protein context (NP_065829.4, residues 1-16): MGSRR[Ala6Gly]PSRGWGAGGR

ClinVar aggregate classification (germline): Uncertain significance (1 of 4 stars; one submission).

Submission:

Labcorp Genetics (formerly Invitae), Labcorp
Classification: Uncertain significance. Last evaluated: 2024-08-28. Review status: criteria provided, single submitter. Criteria: Invitae Variant Classification Sherloc (09022015). Collection method: clinical testing. Allele origin: germline.
Comment: This sequence change replaces alanine, which is neutral and non-polar, with glycine, which is neutral and non-polar, at codon 208 of the ALPK3 protein (p.Ala208Gly). The frequency data for this variant in the population databases is considered unreliable, as metrics indicate insufficient coverage at this position in the gnomAD database. This variant has not been reported in the literature in individuals affected with ALPK3-related conditions. An algorithm developed to predict the effect of missense changes on protein structure and function (PolyPhen-2) suggests that this variant is likely to be tolerated. In summary, the available evidence is currently insufficient to determine the role of this variant in disease. Therefore, it has been classified as a Variant of Uncertain Significance.